The following is an entry in ClinVar:

ClinVar aggregate classification (germline): Uncertain significance. Review status: criteria provided, multiple submitters, no conflicts (2 of 4 stars). 2 submissions from 2 submitters: Uncertain significance (2). Last evaluated 2025-04-11.

Allele frequency attached by ClinVar (database versions not stated): gnomAD exomes 0.00001; TOPMed 0.00002; gnomAD 0.00003.

Submissions (2):

Ambry Genetics
Classification: Uncertain significance. Last evaluated: 2025-04-11. Review status: criteria provided, single submitter. Criteria: Ambry Variant Classification Scheme 2023. Collection method: clinical testing. Allele origin: germline.

Labcorp Genetics (formerly Invitae), Labcorp
Classification: Uncertain significance. Last evaluated: 2023-10-05. Review status: criteria provided, single submitter. Criteria: Invitae Variant Classification Sherloc (09022015). Collection method: clinical testing. Allele origin: germline.
Comment: This sequence change replaces threonine, which is neutral and polar, with methionine, which is neutral and non-polar, at codon 208 of the LSR protein (p.Thr208Met). The frequency data for this variant in the population databases is considered unreliable, as metrics indicate poor data quality at this position in the gnomAD database. This variant has not been reported in the literature in individuals affected with LSR-related conditions. An algorithm developed to predict the effect of missense changes on protein structure and function (PolyPhen-2) suggests that this variant is likely to be disruptive. In summary, the available evidence is currently insufficient to determine the role of this variant in disease. Therefore, it has been classified as a Variant of Uncertain Significance.

NM_205834.4(LSR):c.479C>T (p.Thr160Met)

Gene: LSR (lipolysis stimulated lipoprotein receptor; plus strand). Cytogenetic location: 19q13.12.
Variant type: single nucleotide variant.
Coding change: c.479C>T on transcript NM_205834.4 (MANE Select); coding-DNA position 479, C replaced by T.
Protein change: p.Thr160Met; replaces threonine 160 with methionine.
Molecular consequence: missense variant. On other transcripts: intron variant (1).
Genome position (GRCh38, 1-based): chr19:35,258,969, C>T. VCF-style: chr19-35258969-C-T. GRCh37 (hg19) VCF-style: chr19-35749872-C-T.
Other names: c.623C>T (NM_205834.2); c.479C>T, p.Thr160Met (NM_001260489.2, NM_001385215.1, NM_015925.7 and 1 more transcripts); c.455-7390C>T (NM_001260490.2); short protein forms T160M.
Identifiers: ClinVar variation 2965560 (VCV002965560.4), dbSNP rs1456848974, ClinGen allele CA405286438.
Genomic context (GRCh38, chr19:35,258,969, plus strand): 5'-TCCAAGGTGCCCTCACGCCTTTTCATCCCGACTCAGATGCTGACCTGACCTTTGACCAGA[C>T]GGCGTGGGGGGACAGTGGTGTGTATTACTGCTCCGTGGTCTCAGCCCAGGACCTCCAGGG-3'
Protein context (NP_991403.2, residues 150-170): TGNADLTFDQ[Thr160Met]AWGDSGVYYC